The following is an entry in ClinVar:

NM_001042750.2(STAG2):c.1978G>A (p.Glu660Lys)

Gene: STAG2 (STAG2 cohesin complex component; plus strand). Cytogenetic location: Xq25.
Variant type: single nucleotide variant.
Coding change: c.1978G>A on transcript NM_001042750.2 (MANE Select); coding-DNA position 1978, G replaced by A.
Protein change: p.Glu660Lys; replaces glutamic acid 660 with lysine.
Molecular consequence: missense variant.
Genome position (GRCh38, 1-based): chrX:124,064,004, G>A. VCF-style: chrX-124064004-G-A. GRCh37 (hg19) VCF-style: chrX-123197854-G-A.
Other names: c.1978G>A, p.Glu660Lys (NM_001042749.2, NM_001042751.2, NM_001282418.2 and 13 more transcripts); short protein forms E660K.
Identifiers: ClinVar variation 2126367 (VCV002126367.4), dbSNP rs2148327190, ClinGen allele CA414272962.
Genomic context (GRCh38, chrX:124,064,004, plus strand): 5'-TGTAATGAAGAGTTCACAATCTTCAACAGAGTAGATATTTCAAGAAGTCAACTGATAGAT[G>A]AATTGGCAGATAAATTTAACCGGCTTCTTGAAGATTTTCTGCAAGAGGTATATATTATAA-3'
Protein context (NP_001036215.1, residues 650-670): VDISRSQLID[Glu660Lys]LADKFNRLLE

ClinVar aggregate classification (germline): Uncertain significance (1 of 4 stars; one submission).

Submission:

Labcorp Genetics (formerly Invitae), Labcorp
Classification: Uncertain significance. Last evaluated: 2022-04-15. Review status: criteria provided, single submitter. Criteria: Invitae Variant Classification Sherloc (09022015). Collection method: clinical testing. Allele origin: germline.
Comment: This variant has not been reported in the literature in individuals affected with STAG2-related conditions. This variant is not present in population databases (gnomAD no frequency). This sequence change replaces glutamic acid, which is acidic and polar, with lysine, which is basic and polar, at codon 660 of the STAG2 protein (p.Glu660Lys). Algorithms developed to predict the effect of missense changes on protein structure and function (SIFT, PolyPhen-2, Align-GVGD) all suggest that this variant is likely to be tolerated. In summary, the available evidence is currently insufficient to determine the role of this variant in disease. Therefore, it has been classified as a Variant of Uncertain Significance.